The following is an entry in ClinVar:

ClinVar aggregate classification (germline): Uncertain significance. Review status: criteria provided, multiple submitters, no conflicts (2 of 4 stars). 3 submissions from 3 submitters: Uncertain significance (2). 1 of the submissions does not count toward it. Last evaluated 2024-10-30.

Conditions:
Mucopolysaccharidosis type 1. Also called: IDUA deficiency; MPS I. Identifiers: Orphanet 579, MedGen C0023786, MONDO:0001586.

Allele frequency attached by ClinVar (database versions not stated): gnomAD exomes 0.00001.
gnomAD v4.1: 1 of 1,461,464 alleles (0.000068%); highest among the groups gnomAD compares: Admixed American, 0.0025%; no homozygotes.

Submissions (3):

Revvity Omics, Revvity
Classification: Uncertain significance. Last evaluated: 2024-10-30. Review status: criteria provided, single submitter. Criteria: ACMG Guidelines, 2015. Collection method: clinical testing. Allele origin: germline.

Labcorp Genetics (formerly Invitae), Labcorp
Classification: Uncertain significance for Mucopolysaccharidosis type 1. Last evaluated: 2021-09-01. Review status: criteria provided, single submitter. Criteria: Invitae Variant Classification Sherloc (09022015). Collection method: clinical testing. Allele origin: germline.
Comment: This sequence change replaces alanine with proline at codon 422 of the IDUA protein (p.Ala422Pro). The alanine residue is highly conserved and there is a small physicochemical difference between alanine and proline. The frequency data for this variant in the population databases is considered unreliable, as metrics indicate insufficient coverage at this position in the ExAC database. This variant has not been reported in the literature in individuals affected with IDUA-related conditions. Algorithms developed to predict the effect of missense changes on protein structure and function (SIFT, PolyPhen-2, Align-GVGD) all suggest that this variant is likely to be tolerated. In summary, the available evidence is currently insufficient to determine the role of this variant in disease. Therefore, it has been classified as a Variant of Uncertain Significance.

Natera, Inc.
Classification: Uncertain significance for Mucopolysaccharidosis type I. Last evaluated: 2021-08-24. Review status: no assertion criteria provided. Collection method: clinical testing. Allele origin: germline. Not counted in ClinVar's aggregate classification.

NM_000203.5(IDUA):c.1264G>C (p.Ala422Pro)

Gene: IDUA (alpha-L-iduronidase; plus strand). Cytogenetic location: 4p16.3.
Variant type: single nucleotide variant.
Coding change: c.1264G>C on transcript NM_000203.5 (MANE Select); coding-DNA position 1264, G replaced by C.
Protein change: p.Ala422Pro; replaces alanine 422 with proline.
Molecular consequence: missense variant. On other transcripts: non-coding transcript variant (1).
Genome position (GRCh38, 1-based): chr4:1,002,806, G>C. VCF-style: chr4-1002806-G-C. GRCh37 (hg19) VCF-style: chr4-996594-G-C.
Other names: c.868G>C, p.Ala290Pro (NM_001363576.1); short protein forms A290P, A422P.
Identifiers: ClinVar variation 1015107 (VCV001015107.12), dbSNP rs1392555572, ClinGen allele CA355963730.